The following is an entry in ClinVar:

ClinVar aggregate classification (germline): Uncertain significance. Review status: criteria provided, multiple submitters, no conflicts (2 of 4 stars). 5 submissions from 5 submitters: Uncertain significance (5). Last evaluated 2025-01-21.

Conditions:
Inborn genetic diseases. Identifiers: MedGen C0950123, MeSH D030342.
Megalencephalic leukoencephalopathy with subcortical cysts 1 (MLC1). Also called: LEUKOENCEPHALOPATHY WITH SWELLING AND CYSTS; VACUOLATING MEGALENCEPHALIC LEUKOENCEPHALOPATHY WITH SUBCORTICAL CYSTS. Identifiers: Orphanet 2478, MedGen C5779875, MONDO:0024555, OMIM 604004.

Allele frequency attached by ClinVar (database versions not stated): ExAC 0.00001; gnomAD exomes 0.00001 and 0.00002; gnomAD 0.00002 and 0.00003; TOPMed 0.00002.
gnomAD v4.1: 23 of 1,613,730 alleles (0.0014%); highest among the groups gnomAD compares: Non-Finnish European, 0.0017%; no homozygotes.

Submissions (5):

Ambry Genetics
Classification: Uncertain significance for Inborn genetic diseases. Last evaluated: 2025-01-21. Review status: criteria provided, single submitter. Criteria: Ambry Variant Classification Scheme 2023. Collection method: clinical testing. Allele origin: germline.

Labcorp Genetics (formerly Invitae), Labcorp
Classification: Uncertain significance. Last evaluated: 2022-05-08. Review status: criteria provided, single submitter. Criteria: Invitae Variant Classification Sherloc (09022015). Collection method: clinical testing. Allele origin: germline.
Comment: This sequence change replaces valine, which is neutral and non-polar, with isoleucine, which is neutral and non-polar, at codon 371 of the MLC1 protein (p.Val371Ile). This variant is present in population databases (rs200273593, gnomAD 0.006%). This variant has not been reported in the literature in individuals affected with MLC1-related conditions. ClinVar contains an entry for this variant (Variation ID: 597792). Algorithms developed to predict the effect of missense changes on protein structure and function are either unavailable or do not agree on the potential impact of this missense change (SIFT: "Tolerated"; PolyPhen-2: "Probably Damaging"; Align-GVGD: "Class C0"). In summary, the available evidence is currently insufficient to determine the role of this variant in disease. Therefore, it has been classified as a Variant of Uncertain Significance.

Fulgent Genetics
Classification: Uncertain significance for Megalencephalic leukoencephalopathy with subcortical cysts 1. Last evaluated: 2021-10-21. Review status: criteria provided, single submitter. Criteria: ACMG Guidelines, 2015. Collection method: clinical testing. Allele origin: unknown.

Genome-Nilou Lab
Classification: Uncertain significance for Megalencephalic leukoencephalopathy with subcortical cysts 1. Last evaluated: 2021-07-14. Review status: criteria provided, single submitter. Criteria: ACMG Guidelines, 2015. Collection method: clinical testing. Allele origin: germline. Affected: no.

Eurofins Ntd Llc (ga)
Classification: Uncertain significance. Last evaluated: 2018-06-28. Review status: criteria provided, single submitter. Criteria: EGL ClinVar v180209 classification definitions. Collection method: clinical testing. Allele origin: germline. Observed: 1 variant allele, 1 heterozygote.

NM_015166.4(MLC1):c.1111G>A (p.Val371Ile)

Gene: MLC1 (modulator of VRAC current 1; minus strand). Cytogenetic location: 22q13.33.
Variant type: single nucleotide variant.
Coding change: c.1111G>A on transcript NM_015166.4 (MANE Select); coding-DNA position 1111, G replaced by A.
Protein change: p.Val371Ile; replaces valine 371 with isoleucine.
Molecular consequence: missense variant. On other transcripts: non-coding transcript variant (3).
Genome position (GRCh38, 1-based): chr22:50,061,606, C>T on the plus strand (G>A on the coding strand, the complement: MLC1 is on the minus strand). VCF-style: chr22-50061606-C-T. GRCh37 (hg19) VCF-style: chr22-50500035-C-T.
Other names: c.1111G>A, p.Val371Ile (NM_001376477.1, NM_001376478.1, NM_139202.3 and 5 more transcripts); c.1054G>A, p.Val352Ile (NM_001376479.1); c.1021G>A, p.Val341Ile (NM_001376480.1); c.1009G>A, p.Val337Ile (NM_001376481.1); c.955G>A, p.Val319Ile (NM_001376482.1, NM_001376483.1); c.874G>A, p.Val292Ile (NM_001376484.1); short protein forms V371I, V292I, V319I, V337I, V341I, V352I.
Identifiers: ClinVar variation 597792 (VCV000597792.10), dbSNP rs200273593, ClinGen allele CA10303196.
Genomic context (GRCh38, chr22:50,061,606, plus strand): 5'-AGGCTGGGCGCTGCCACCCGGTTTCCGCGTCTGGGGGTCACTGGGCCATTTGCACCACGA[C>T]GGCTCTCCAGGCTTTCTCCTTGTCGAACTCCTTCAGGGGGCTCCTGGCCACCTGCAACCG-3'
Protein context (NP_055981.1, residues 361-377): EFDKEKAWRA[Val371Ile]VVQMAQ